The following is an entry in ClinVar:

ClinVar aggregate classification (germline): Pathogenic. Review status: criteria provided, multiple submitters, no conflicts (2 of 4 stars). 2 submissions from 2 submitters: Pathogenic (2). Last evaluated 2025-01-14.

Conditions:
Usher syndrome. Also called: Usher Syndromes; Usher's syndrome. Identifiers: Orphanet 886, MedGen CN469326, MeSH D052245, MONDO:0019501. Disease mechanism: loss of function.

Submissions (2):

Women's Health and Genetics/Laboratory Corporation of America, LabCorp
Classification: Pathogenic for Usher syndrome. Last evaluated: 2025-01-14. Review status: criteria provided, single submitter. Criteria: LabCorp Variant Classification Summary - May 2015. Collection method: clinical testing. Allele origin: germline.
Comment: Variant summary: USH2A c.9319G>T (p.Glu3107X) results in a premature termination codon, predicted to cause a truncation of the encoded protein or absence of the protein due to nonsense mediated decay, which are commonly known mechanisms for disease. The variant was absent in 251328 control chromosomes (gnomAD). c.9319G>T has been reported in the literature in individuals affected with Usher Syndrome (e.g. Jiang_2015). To our knowledge, no experimental evidence demonstrating an impact on protein function has been reported. The following publication have been ascertained in the context of this evaluation (PMID: 26338283). ClinVar contains an entry for this variant (Variation ID: 2734082). Based on the evidence outlined above, the variant was classified as pathogenic.

Labcorp Genetics (formerly Invitae), Labcorp
Classification: Pathogenic. Last evaluated: 2023-03-03. Review status: criteria provided, single submitter. Criteria: Invitae Variant Classification Sherloc (09022015). Collection method: clinical testing. Allele origin: germline.
Comment: This premature translational stop signal has been observed in individual(s) with Usher syndrome (PMID: 26338283, 32675063, 33124170). This variant is not present in population databases (gnomAD no frequency). This sequence change creates a premature translational stop signal (p.Glu3107*) in the USH2A gene. It is expected to result in an absent or disrupted protein product. Loss-of-function variants in USH2A are known to be pathogenic (PMID: 10729113, 10909849, 20507924, 25649381). For these reasons, this variant has been classified as Pathogenic.

Literature cited by the submitters: PubMed 26338283 (cited by Women's Health and Genetics/Laboratory Corporation of America, LabCorp and Labcorp Genetics (formerly Invitae), Labcorp); PubMed 32675063 (cited by Labcorp Genetics (formerly Invitae), Labcorp); PubMed 33124170 (cited by Labcorp Genetics (formerly Invitae), Labcorp); PubMed 10729113 (cited by Labcorp Genetics (formerly Invitae), Labcorp); PubMed 10909849 (cited by Labcorp Genetics (formerly Invitae), Labcorp); PubMed 20507924 (cited by Labcorp Genetics (formerly Invitae), Labcorp); PubMed 25649381 (cited by Labcorp Genetics (formerly Invitae), Labcorp).

NM_206933.4(USH2A):c.9319G>T (p.Glu3107Ter)

Gene: USH2A (usherin; minus strand). Cytogenetic location: 1q41.
Variant type: single nucleotide variant.
Coding change: c.9319G>T on transcript NM_206933.4 (MANE Select); coding-DNA position 9319, G replaced by T.
Protein change: p.Glu3107Ter; replaces glutamic acid 3107 with a stop codon.
Molecular consequence: nonsense.
Genome position (GRCh38, 1-based): chr1:215,838,043, C>A on the plus strand (G>T on the coding strand, the complement: USH2A is on the minus strand). VCF-style: chr1-215838043-C-A. GRCh37 (hg19) VCF-style: chr1-216011385-C-A.
Other names: short protein forms E3107*.
Identifiers: ClinVar variation 2734082 (VCV002734082.5), dbSNP rs2464586085, ClinGen allele CA344835096.